The following is an entry in ClinVar:

ClinVar aggregate classification (germline): Uncertain significance. Review status: criteria provided, multiple submitters, no conflicts (2 of 4 stars). 2 submissions from 2 submitters: Uncertain significance (2). Last evaluated 2025-10-14.

gnomAD v4.1: 49 of 1,518,198 alleles (0.0032%); highest among the groups gnomAD compares: East Asian, 0.048%; no homozygotes.

Submissions (2):

Labcorp Genetics (formerly Invitae), Labcorp
Classification: Uncertain significance. Last evaluated: 2025-10-14. Review status: criteria provided, single submitter. Criteria: Invitae Variant Classification Sherloc (09022015). Collection method: clinical testing. Allele origin: germline.
Comment: This sequence change replaces alanine, which is neutral and non-polar, with threonine, which is neutral and polar, at codon 514 of the ZCCHC8 protein (p.Ala514Thr). This variant is present in population databases (rs749468647, gnomAD 0.007%). This variant has not been reported in the literature in individuals affected with ZCCHC8-related conditions. ClinVar contains an entry for this variant (Variation ID: 1914458). Invitae Evidence Modeling of protein sequence and biophysical properties (such as structural, functional, and spatial information, amino acid conservation, physicochemical variation, residue mobility, and thermodynamic stability) indicates that this missense variant is not expected to disrupt ZCCHC8 protein function with a negative predictive value of 80%. In summary, the available evidence is currently insufficient to determine the role of this variant in disease. Therefore, it has been classified as a Variant of Uncertain Significance.

Ambry Genetics
Classification: Uncertain significance. Last evaluated: 2024-03-28. Review status: criteria provided, single submitter. Criteria: Ambry Variant Classification Scheme 2023. Collection method: clinical testing. Allele origin: germline.

NM_017612.5(ZCCHC8):c.1540G>A (p.Ala514Thr)

Genes: ZCCHC8 (zinc finger CCHC-type containing 8; minus strand), LOC130009053 (ATAC-STARR-seq lymphoblastoid active region 7226; plus strand). Cytogenetic location: 12q24.31.
Variant type: single nucleotide variant.
Coding change: c.1540G>A on transcript NM_017612.5 (MANE Select); coding-DNA position 1540, G replaced by A.
Protein change: p.Ala514Thr; replaces alanine 514 with threonine.
Molecular consequence: missense variant.
Genome position (GRCh38, 1-based): chr12:122,474,081, C>T on the plus strand (G>A on the coding strand, the complement: ZCCHC8 is on the minus strand). VCF-style: chr12-122474081-C-T. GRCh37 (hg19) VCF-style: chr12-122958628-C-T.
Other names: c.1309G>A, p.Ala437Thr (NM_001350935.2); c.1243G>A, p.Ala415Thr (NM_001350936.2); c.826G>A, p.Ala276Thr (NM_001350937.2, NM_001350938.2); c.1540G>A (NM_017612.3); short protein forms A276T, A415T, A514T, A437T.
Identifiers: ClinVar variation 1914458 (VCV001914458.6), dbSNP rs749468647, ClinGen allele CA6846144.